The following is an entry in ClinVar:

NM_000032.5(ALAS2):c.1532G>A (p.Arg511Gln)

Gene: ALAS2 (5'-aminolevulinate synthase 2; minus strand). Cytogenetic location: Xp11.21.
Variant type: single nucleotide variant.
Coding change: c.1532G>A on transcript NM_000032.5 (MANE Select); coding-DNA position 1532, G replaced by A.
Protein change: p.Arg511Gln; replaces arginine 511 with glutamine.
Molecular consequence: missense variant.
Genome position (GRCh38, 1-based): chrX:55,013,554, C>T on the plus strand (G>A on the coding strand, the complement: ALAS2 is on the minus strand). VCF-style: chrX-55013554-C-T. GRCh37 (hg19) VCF-style: chrX-55039987-C-T.
Other names: c.1421G>A, p.Arg474Gln (NM_001037967.4); c.1493G>A, p.Arg498Gln (NM_001037968.4); short protein forms R511Q, R498Q, R474Q.
Identifiers: ClinVar variation 915147 (VCV000915147.9), dbSNP rs372675935, ClinGen allele CA10428279.

ClinVar aggregate classification (germline): Conflicting classifications of pathogenicity. Review status: criteria provided, conflicting classifications (1 of 4 stars). 4 submissions from 4 submitters: Uncertain significance (3); Likely benign (1). Last evaluated 2025-11-24.

Conditions:
ALAS2-related disorder. Also called: ALAS2-related condition.
Inborn genetic diseases. Identifiers: MedGen C0950123, MeSH D030342.
X-linked sideroblastic anemia 1. Also called: ANEMIA, SIDEROBLASTIC, 1, PYRIDOXINE REFRACTORY; Anemia, hereditary sideroblastic 1, pyridoxine refractory; Anemia, sideroblastic, 1; Erythroid 5-aminolevulinate synthase deficiency; X chromosome-linked sideroblastic anemia; X-linked pyridoxine-refractory sideroblastic anemia. Identifiers: Orphanet 75563, MedGen C4551511, MONDO:0020721, OMIM 300751. Disease mechanism: loss of function.

Allele frequency attached by ClinVar (database versions not stated): gnomAD exomes 0.00002 and 0.00003; ExAC 0.00003; TOPMed 0.00003; gnomAD 0.00004; ESP Exome Variant Server 0.00009.
gnomAD v4.1: 34 of 1,209,125 alleles (0.0028%); highest among the groups gnomAD compares: East Asian, 0.0059%; no homozygotes.

Submissions (4):

Ambry Genetics
Classification: Uncertain significance for Inborn genetic diseases. Last evaluated: 2025-11-24. Review status: criteria provided, single submitter. Criteria: Ambry Variant Classification Scheme 2023. Collection method: clinical testing. Allele origin: germline.

Labcorp Genetics (formerly Invitae), Labcorp
Classification: Likely benign. Last evaluated: 2024-12-06. Review status: criteria provided, single submitter. Criteria: Invitae Variant Classification Sherloc (09022015). Collection method: clinical testing. Allele origin: germline.

PreventionGenetics, part of Exact Sciences
Classification: Uncertain significance for ALAS2-related condition. Last evaluated: 2023-09-25. Review status: criteria provided, single submitter. Criteria: ACMG Guidelines, 2015. Collection method: clinical testing. Allele origin: germline.
Comment: The ALAS2 c.1532G>A variant is predicted to result in the amino acid substitution p.Arg511Gln. To our knowledge, this variant has not been reported in the literature. This variant is reported in 0.011% of alleles in individuals of African descent in gnomAD. At this time, the clinical significance of this variant is uncertain due to the absence of conclusive functional and genetic evidence.

Illumina Laboratory Services, Illumina
Classification: Uncertain significance for X-linked sideroblastic anemia 1. Last evaluated: 2018-01-13. Review status: criteria provided, single submitter. Criteria: ICSL Variant Classification Criteria 13 December 2019. Collection method: clinical testing. Allele origin: germline.